The following is an entry in ClinVar:

NM_000051.4(ATM):c.2879C>G (p.Pro960Arg)

Gene: ATM (ATM serine/threonine kinase; plus strand). Cytogenetic location: 11q22.3.
Variant type: single nucleotide variant.
Coding change: c.2879C>G on transcript NM_000051.4 (MANE Select); coding-DNA position 2879, C replaced by G.
Protein change: p.Pro960Arg; replaces proline 960 with arginine.
Molecular consequence: missense variant.
Genome position (GRCh38, 1-based): chr11:108,271,104, C>G. VCF-style: chr11-108271104-C-G. GRCh37 (hg19) VCF-style: chr11-108141831-C-G.
Other names: c.2879C>G, p.Pro960Arg (NM_001351834.2); short protein forms P960R.
Identifiers: ClinVar variation 850692 (VCV000850692.14), dbSNP rs587779828, ClinGen allele CA382546849.

ClinVar aggregate classification (germline): Uncertain significance. Review status: criteria provided, multiple submitters, no conflicts (2 of 4 stars). 3 submissions from 3 submitters: Uncertain significance (3). Last evaluated 2024-05-28.

Conditions:
Ataxia-telangiectasia syndrome (AT). Also called: Ataxia-telangiectasia, complementation group E; Cerebello-oculocutaneous telangiectasia; Immunodeficiency with ataxia telangiectasia; Ataxia-telangiectasia, complementation group D; AT, COMPLEMENTATION GROUP C; Ataxia-telangiectasia. Identifiers: Orphanet 100, MedGen C0004135, MONDO:0008840, OMIM 208900.
Hereditary cancer-predisposing syndrome. Also called: Neoplastic Syndromes, Hereditary; Hereditary Cancer Syndrome; Hereditary neoplastic syndrome; Tumor predisposition. Identifiers: Orphanet 140162, MedGen C0027672, MeSH D009386, MONDO:0015356.

Submissions (3):

Ambry Genetics
Classification: Uncertain significance for Hereditary cancer-predisposing syndrome. Last evaluated: 2024-05-28. Review status: criteria provided, single submitter. Criteria: Ambry Variant Classification Scheme 2023. Collection method: clinical testing. Allele origin: germline.
Comment: The p.P960R variant (also known as c.2879C>G), located in coding exon 18 of the ATM gene, results from a C to G substitution at nucleotide position 2879. The proline at codon 960 is replaced by arginine, an amino acid with dissimilar properties. This amino acid position is not well conserved in available vertebrate species. In addition, this alteration is predicted to be tolerated by in silico analysis. Based on the available evidence, the clinical significance of this variant remains unclear.

Labcorp Genetics (formerly Invitae), Labcorp
Classification: Uncertain significance for Ataxia-telangiectasia syndrome. Last evaluated: 2023-10-03. Review status: criteria provided, single submitter. Criteria: Invitae Variant Classification Sherloc (09022015). Collection method: clinical testing. Allele origin: germline.
Comment: This sequence change replaces proline, which is neutral and non-polar, with arginine, which is basic and polar, at codon 960 of the ATM protein (p.Pro960Arg). This variant is not present in population databases (gnomAD no frequency). This variant has not been reported in the literature in individuals affected with ATM-related conditions. ClinVar contains an entry for this variant (Variation ID: 850692). An algorithm developed to predict the effect of missense changes on protein structure and function (PolyPhen-2) suggests that this variant is likely to be tolerated. In summary, the available evidence is currently insufficient to determine the role of this variant in disease. Therefore, it has been classified as a Variant of Uncertain Significance.

Sema4
Classification: Uncertain significance for Hereditary cancer-predisposing syndrome. Last evaluated: 2021-12-23. Review status: criteria provided, single submitter. Criteria: Sema4 Curation Guidelines. Collection method: curation. Allele origin: germline.
Comment: The ATM c.2879C>G (p.P960R) variant has not been reported in the literature to our knowledge. It was not observed in the large and broad cohorts of the Genome Aggregation Database, but has been reported in ClinVar (Variation ID 850692). Functional studies have not been performed, and in silico predictions of the variant's effect on protein function are inconclusive. The evidence is insufficient to meet ACMG/AMP criteria for classifying the variant as benign or pathogenic. Thus, the clinical significance of this variant is currently uncertain.